The following is an entry in ClinVar:

ClinVar aggregate classification (germline): Benign. Review status: criteria provided, multiple submitters, no conflicts (2 of 4 stars). 3 submissions from 3 submitters: Benign (2). 1 of the submissions does not count toward it. Last evaluated 2025-12-23.

Conditions:
KIAA0586-related disorder. Also called: KIAA0586- Related disorders; KIAA0586-related condition.
Joubert syndrome 23 (JBTS23). Identifiers: Orphanet 475, MedGen C4084822, MONDO:0014664, OMIM 616490.
Short-rib thoracic dysplasia 14 with polydactyly (SRTD14). Identifiers: Orphanet 397715, MedGen C4225286, MONDO:0014688, OMIM 616546.

Allele frequency attached by ClinVar (database versions not stated): gnomAD 0.00039 and 0.00064; TOPMed 0.00052; gnomAD exomes 0.00128; ExAC 0.00149; 1000 Genomes Project 30x 0.00219; 1000 Genomes Project 0.00220.
gnomAD v4.1: 1,077 of 1,588,580 alleles (0.068%); highest among the groups gnomAD compares: East Asian, 1.9%; 21 homozygotes.

Submissions (3):

Labcorp Genetics (formerly Invitae), Labcorp
Classification: Benign for Joubert syndrome 23; Short-rib thoracic dysplasia 14 with polydactyly. Last evaluated: 2025-12-23. Review status: criteria provided, single submitter. Criteria: Invitae Variant Classification Sherloc (09022015). Collection method: clinical testing. Allele origin: germline.

CeGaT Center for Human Genetics Tuebingen
Classification: Benign. Last evaluated: 2023-09-01. Review status: criteria provided, single submitter. Criteria: CeGaT Center For Human Genetics Tuebingen Variant Classification Criteria Version 2. Collection method: clinical testing. Allele origin: germline. Affected: yes. Observed: 2 variant alleles.
Comment: KIAA0586: BP4, BS1, BS2

PreventionGenetics, part of Exact Sciences
Classification: Benign for KIAA0586-related condition. Last evaluated: 2019-03-25. Review status: no assertion criteria provided. Collection method: clinical testing. Allele origin: germline. Not counted in ClinVar's aggregate classification.
Comment: This variant is classified as benign based on ACMG/AMP sequence variant interpretation guidelines (Richards et al. 2015 PMID: 25741868, with internal and published modifications).

NM_001329943.3(KIAA0586):c.3104G>A (p.Gly1035Asp)

Gene: KIAA0586 (KIAA0586; plus strand). Cytogenetic location: 14q23.1.
Variant type: single nucleotide variant.
Coding change: c.3104G>A on transcript NM_001329943.3 (MANE Select); coding-DNA position 3104, G replaced by A.
Protein change: p.Gly1035Asp; replaces glycine 1035 with aspartic acid.
Molecular consequence: missense variant.
Genome position (GRCh38, 1-based): chr14:58,482,672, G>A. VCF-style: chr14-58482672-G-A. GRCh37 (hg19) VCF-style: chr14-58949390-G-A.
Other names: c.3263G>A, p.Gly1088Asp (NM_001244189.2); c.3059G>A, p.Gly1020Asp (NM_001244190.2); c.2849G>A, p.Gly950Asp (NM_001244191.2, NM_001329945.2, NM_001364700.1 and 1 more transcripts); c.2972G>A, p.Gly991Asp (NM_001244192.2); c.2684G>A, p.Gly895Asp (NM_001244193.2); c.3104G>A, p.Gly1035Asp (NM_001329944.2, NM_001329946.2, NM_001329947.2); c.2876G>A, p.Gly959Asp (NM_014749.5); short protein forms G1088D, G959D, G1020D, G895D, G991D, G1035D, G950D.
Identifiers: ClinVar variation 475447 (VCV000475447.37), dbSNP rs77860620, ClinGen allele CA7206053.